The following is an entry in ClinVar:

NM_001035.3(RYR2):c.5C>A (p.Ala2Asp)

Gene: RYR2 (ryanodine receptor 2; plus strand). Cytogenetic location: 1q43.
Variant type: single nucleotide variant.
Coding change: c.5C>A on transcript NM_001035.3 (MANE Select); coding-DNA position 5, C replaced by A.
Protein change: p.Ala2Asp; replaces alanine 2 with aspartic acid.
Molecular consequence: missense variant.
Genome position (GRCh38, 1-based): chr1:237,042,526, C>A. VCF-style: chr1-237042526-C-A. GRCh37 (hg19) VCF-style: chr1-237205826-C-A.
Other names: short protein forms A2D.
Identifiers: ClinVar variation 4998408 (VCV004998408.1).

ClinVar aggregate classification (germline): Uncertain significance (1 of 4 stars; one submission).

Conditions:
RYR2-related disorder. Also called: RYR2-related condition.

Submission:

PreventionGenetics, part of Exact Sciences
Classification: Uncertain significance for RYR2-related condition. Last evaluated: 2024-11-06. Review status: criteria provided, single submitter. Criteria: ACMG Guidelines, 2015. Collection method: clinical testing. Allele origin: germline.
Comment: The RYR2 c.5C>A variant is predicted to result in the amino acid substitution p.Ala2Asp. To our knowledge, this variant has not been reported in the literature or in a large population database (gnomAD), indicating this variant is rare. At this time, the clinical significance of this variant is uncertain due to the absence of conclusive functional and genetic evidence.